The following is an entry in ClinVar:

ClinVar aggregate classification (germline): Likely benign (1 of 4 stars; one submission).

Submission:

CeGaT Center for Human Genetics Tuebingen
Classification: Likely benign. Last evaluated: 2023-04-01. Review status: criteria provided, single submitter. Criteria: CeGaT Center For Human Genetics Tuebingen Variant Classification Criteria Version 2. Collection method: clinical testing. Allele origin: germline. Affected: yes. Observed: 1 variant allele.
Comment: PCDHA10: BS2

NM_018901.4(PCDHA10):c.1014_1022del (p.Glu338_Leu340del)

Genes: PCDHA1 (protocadherin alpha 1; plus strand), PCDHA10 (protocadherin alpha 10; plus strand), PCDHA2 (protocadherin alpha 2; plus strand), PCDHA3 (protocadherin alpha 3; plus strand), PCDHA4 (protocadherin alpha 4; plus strand) and 6 more. Cytogenetic location: 5q31.3.
Variant type: Deletion.
Coding change: c.1014_1022del on transcript NM_018901.4 (MANE Select); coding-DNA positions 1014 to 1022, 9 bases deleted (ACTACTGGA; older notation c.1014_1022delACTACTGGA).
Protein change: p.Glu338_Leu340del.
Molecular consequence: inframe deletion. On other transcripts: intron variant (11).
Genome position (GRCh38, 1-based): chr5:140,857,062-140,857,070, ACTACTGGA deleted; deleting any 9 consecutive bases within chr5:140,857,058-140,857,070 gives the same sequence; the c. name uses the placement nearest the transcript's 3' end. VCF-style (leftmost placement, unchanged base first): chr5-140857057-GTGGAACTAC-G. GRCh37 (hg19) VCF-style: chr5-140236642-GTGGAACTAC-G.
Other names: c.1014_1022del, p.Glu338_Leu340del (NM_031859.3, NM_031860.3); c.2394+68378_2394+68386del (NM_018900.4); c.1602+69170_1602+69178del (NM_031411.3); c.2388+59710_2388+59718del (NM_018905.3); c.2394+53471_2394+53479del (NM_018906.3); c.2385+47490_2385+47498del (NM_018907.4); c.2352+32935_2352+32943del (NM_018908.3); c.2394+26577_2394+26585del (NM_018909.4); and 4 more.
Identifiers: ClinVar variation 2655778 (VCV002655778.24), dbSNP rs782513302, ClinGen allele CA3451072.